The following is an entry in ClinVar:

ClinVar aggregate classification (germline): Uncertain significance. Review status: criteria provided, multiple submitters, no conflicts (2 of 4 stars). 3 submissions from 3 submitters: Uncertain significance (3). Last evaluated 2025-12-23.

Conditions:
Hereditary cancer-predisposing syndrome. Also called: Neoplastic Syndromes, Hereditary; Hereditary Cancer Syndrome; Hereditary neoplastic syndrome; Tumor predisposition. Identifiers: Orphanet 140162, MedGen C0027672, MeSH D009386, MONDO:0015356.
Hereditary breast ovarian cancer syndrome. Also called: Hereditary breast and/or ovarian cancer syndrome; Breast and ovarian cancer; BRCA1- and BRCA2-Associated Hereditary Breast and Ovarian Cancer; Hereditary breast and ovarian cancer syndrome; Hereditary breast and ovarian cancer syndrome (HBOC); Hereditary breast and ovarian cancer. Identifiers: Orphanet 145, MedGen C0677776, MeSH D061325, MONDO:0003582. Disease mechanism: loss of function.
Familial cancer of breast. Also called: Hereditary breast cancer; BREAST CANCER, FAMILIAL; hereditary breast carcinoma. Identifiers: Orphanet 227535, MedGen C0346153, MONDO:0016419, OMIM 114480. Disease mechanism: loss of function.

Submissions (3):

Labcorp Genetics (formerly Invitae), Labcorp
Classification: Uncertain significance for Familial cancer of breast. Last evaluated: 2025-12-23. Review status: criteria provided, single submitter. Criteria: Invitae Variant Classification Sherloc (09022015). Collection method: clinical testing. Allele origin: germline.
Comment: This sequence change replaces leucine, which is neutral and non-polar, with proline, which is neutral and non-polar, at codon 326 of the CHEK2 protein (p.Leu326Pro). This variant is not present in population databases (gnomAD no frequency). This missense change has been observed in individual(s) with breast cancer (PMID: 34903604). ClinVar contains an entry for this variant (Variation ID: 1060536). An algorithm developed to predict the effect of missense changes on protein structure and function (PolyPhen-2) suggests that this variant is likely to be disruptive. Experimental studies have shown that this missense change affects CHEK2 function (PMID: 34903604). In summary, the available evidence is currently insufficient to determine the role of this variant in disease. Therefore, it has been classified as a Variant of Uncertain Significance.

Ambry Genetics
Classification: Uncertain significance for Hereditary cancer-predisposing syndrome. Last evaluated: 2025-10-22. Review status: criteria provided, single submitter. Criteria: Ambry Variant Classification Scheme 2023. Collection method: clinical testing. Allele origin: germline.
Comment: The p.L326P variant (also known as c.977T>C), located in coding exon 8 of the CHEK2 gene, results from a T to C substitution at nucleotide position 977. The leucine at codon 326 is replaced by proline, an amino acid with similar properties. In a mouse embryonic stem cell-based system, this alteration was found to be damaging to Kap1 phosphorylation (Boonen RACM et al. Cancer Res, 2022 02;82:615-631). This alteration was also reported as functionally impaired in a study assessing CHEK2-complementation through quantification of KAP1 phosphorylation and CHK2 autophosphorylation in human RPE1-CHEK2-knockout cells (Stolarova L et al. Clin Cancer Res, 2023 Aug;29:3037-3050). This amino acid position is highly conserved in available vertebrate species. In addition, this alteration is predicted to be deleterious by in silico analysis. Based on the available evidence, the clinical significance of this variant remains unclear.

German Consortium for Hereditary Breast and Ovarian Cancer, University Hospital Cologne
Classification: Uncertain significance for Hereditary breast ovarian cancer syndrome. Last evaluated: 2025-09-09. Review status: criteria provided, single submitter. Criteria: ACMG Guidelines, 2015. Collection method: curation. Allele origin: germline.
Comment: This classification follows the ACMG SVI adaptation classification scheme; We chose these criteria: PS3 (strong pathogenic): Stolarova et al.: Damaging (KAP1, CHK2 category) Boonen et al.2022: Damaging, Table S1 Delimitsou + Kleiblova: Damaging, PM2 (supporting pathogenic): not in gnomAD v4

Literature cited by the submitters: PubMed 34903604 (cited by Labcorp Genetics (formerly Invitae), Labcorp and Ambry Genetics); PubMed 37449874 (cited by Ambry Genetics).

NM_007194.4(CHEK2):c.977T>C (p.Leu326Pro)

Gene: CHEK2 (checkpoint kinase 2; minus strand). Cytogenetic location: 22q12.1.
Variant type: single nucleotide variant.
Coding change: c.977T>C on transcript NM_007194.4 (MANE Select); coding-DNA position 977, T replaced by C.
Protein change: p.Leu326Pro; replaces leucine 326 with proline.
Molecular consequence: missense variant.
Genome position (GRCh38, 1-based): chr22:28,699,869, A>G on the plus strand (T>C on the coding strand, the complement: CHEK2 is on the minus strand). VCF-style: chr22-28699869-A-G. GRCh37 (hg19) VCF-style: chr22-29095857-A-G.
Other names: c.1106T>C, p.Leu369Pro (NM_001005735.3); c.314T>C, p.Leu105Pro (NM_001257387.3); c.776T>C, p.Leu259Pro (NM_001349956.3); c.977T>C, p.Leu326Pro (NM_145862.3); short protein forms L105P, L259P, L326P, L369P.
Identifiers: ClinVar variation 1060536 (VCV001060536.15), dbSNP rs2145842493, ClinGen allele CA411099629.